The following is an entry in ClinVar:

NM_004656.4(BAP1):c.1745C>T (p.Ser582Phe)

Gene: BAP1 (BRCA1 associated deubiquitinase 1; minus strand). Cytogenetic location: 3p21.1.
Variant type: single nucleotide variant.
Coding change: c.1745C>T on transcript NM_004656.4 (MANE Select); coding-DNA position 1745, C replaced by T.
Protein change: p.Ser582Phe; replaces serine 582 with phenylalanine.
Molecular consequence: missense variant.
Genome position (GRCh38, 1-based): chr3:52,403,283, G>A on the plus strand (C>T on the coding strand, the complement: BAP1 is on the minus strand). VCF-style: chr3-52403283-G-A. GRCh37 (hg19) VCF-style: chr3-52437299-G-A.
Other names: c.1745C>T (NM_004656.2); short protein forms S582F.
Identifiers: ClinVar variation 924274 (VCV000924274.14), dbSNP rs1705028518, ClinGen allele CA353099282.
Genomic context (GRCh38, chr3:52,403,283, plus strand): 5'-TCCTTCTCCACTGGGCTGCTGGACCCCTGGCTGCCTTGGATTGGTCTGATGGAGGGCGAG[G>A]AACCCTTCCCACCCTCTGGGAAGAGAGGTCACAAGAAAATCATCAGAGTGCAGGACACTT-3'
Protein context (NP_004647.1, residues 572-592): PLALTEGGKG[Ser582Phe]SPSIRPIQGS

ClinVar aggregate classification (germline): Uncertain significance. Review status: criteria provided, multiple submitters, no conflicts (2 of 4 stars). 3 submissions from 3 submitters: Uncertain significance (3). Last evaluated 2024-03-06.

Conditions:
Hereditary cancer-predisposing syndrome. Also called: Neoplastic Syndromes, Hereditary; Tumor predisposition; Hereditary Cancer Syndrome; Hereditary neoplastic syndrome. Identifiers: Orphanet 140162, MedGen C0027672, MeSH D009386, MONDO:0015356.
BAP1-related tumor predisposition syndrome (TPDS1). Also called: Tumor susceptibility linked to germline BAP1 mutations; COMMON Syndrome; TUMOR PREDISPOSITION SYNDROME 1; BAP1 tumor predisposition syndrome. Identifiers: Orphanet 289539, MedGen C3280492, MONDO:0013692, OMIM 614327.

Allele frequency attached by ClinVar (database versions not stated): TOPMed below 0.00001.

Submissions (3):

Color Diagnostics, LLC DBA Color Health
Classification: Uncertain significance for Hereditary cancer-predisposing syndrome. Last evaluated: 2024-03-06. Review status: criteria provided, single submitter. Criteria: ACMG Guidelines, 2015. Collection method: clinical testing. Allele origin: germline.
Comment: This missense variant replaces serine with phenylalanine at codon 582 of the BAP1 protein. Computational prediction suggests that this variant may not impact protein structure and function (internally defined REVEL score threshold <= 0.5, PMID: 27666373). Splice site prediction tools suggest that this variant may not impact RNA splicing. To our knowledge, functional studies have not been performed for this variant. This variant has not been reported in individuals affected with hereditary cancer in the literature. This variant has not been identified in the general population by the Genome Aggregation Database (gnomAD). The available evidence is insufficient to determine the role of this variant in disease conclusively. Therefore, this variant is classified as a Variant of Uncertain Significance.

Ambry Genetics
Classification: Uncertain significance for Hereditary cancer-predisposing syndrome. Last evaluated: 2022-11-03. Review status: criteria provided, single submitter. Criteria: Ambry Variant Classification Scheme 2023. Collection method: clinical testing. Allele origin: germline.
Comment: The p.S582F variant (also known as c.1745C>T), located in coding exon 14 of the BAP1 gene, results from a C to T substitution at nucleotide position 1745. The serine at codon 582 is replaced by phenylalanine, an amino acid with highly dissimilar properties. This amino acid position is conserved. In addition, this alteration is predicted to be tolerated by in silico analysis. Since supporting evidence is limited at this time, the clinical significance of this alteration remains unclear.

Labcorp Genetics (formerly Invitae), Labcorp
Classification: Uncertain significance for BAP1-related tumor predisposition syndrome. Last evaluated: 2020-11-14. Review status: criteria provided, single submitter. Criteria: Invitae Variant Classification Sherloc (09022015). Collection method: clinical testing. Allele origin: germline.
Comment: This sequence change replaces serine with phenylalanine at codon 582 of the BAP1 protein (p.Ser582Phe). The serine residue is highly conserved and there is a large physicochemical difference between serine and phenylalanine. This variant is not present in population databases (ExAC no frequency). This variant has not been reported in the literature in individuals with BAP1-related conditions. ClinVar contains an entry for this variant (Variation ID: 924274). Algorithms developed to predict the effect of missense changes on protein structure and function are either unavailable or do not agree on the potential impact of this missense change (SIFT: "Deleterious"; PolyPhen-2: "Possibly Damaging"; Align-GVGD: "Class C0"). In summary, the available evidence is currently insufficient to determine the role of this variant in disease. Therefore, it has been classified as a Variant of Uncertain Significance.